The following is an entry in ClinVar:

NM_004385.5(VCAN):c.9046G>A (p.Ala3016Thr)

Genes: VCAN (versican; plus strand), VCAN-AS1 (VCAN antisense RNA 1; minus strand). Cytogenetic location: 5q14.3.
Variant type: single nucleotide variant.
Coding change: c.9046G>A on transcript NM_004385.5 (MANE Select); coding-DNA position 9046, G replaced by A.
Protein change: p.Ala3016Thr; replaces alanine 3016 with threonine.
Molecular consequence: missense variant. On other transcripts: intron variant (2).
Genome position (GRCh38, 1-based): chr5:83,542,049, G>A. VCF-style: chr5-83542049-G-A. GRCh37 (hg19) VCF-style: chr5-82837868-G-A.
Other names: c.6085G>A, p.Ala2029Thr (NM_001164097.2); c.4004-3488G>A (NM_001164098.2); c.1043-3488G>A (NM_001126336.3); short protein forms A2029T, A3016T.
Identifiers: ClinVar variation 3653523 (VCV003653523.2).

ClinVar aggregate classification (germline): Uncertain significance (1 of 4 stars; one submission).

Submission:

Labcorp Genetics (formerly Invitae), Labcorp
Classification: Uncertain significance. Last evaluated: 2024-05-15. Review status: criteria provided, single submitter. Criteria: Invitae Variant Classification Sherloc (09022015). Collection method: clinical testing. Allele origin: germline.
Comment: This sequence change replaces alanine, which is neutral and non-polar, with threonine, which is neutral and polar, at codon 3016 of the VCAN protein (p.Ala3016Thr). This variant is not present in population databases (gnomAD no frequency). This variant has not been reported in the literature in individuals affected with VCAN-related conditions. Algorithms developed to predict the effect of missense changes on protein structure and function output the following: SIFT: "Not Available"; PolyPhen-2: "Benign"; Align-GVGD: "Not Available". The threonine amino acid residue is found in multiple mammalian species, which suggests that this missense change does not adversely affect protein function. In summary, the available evidence is currently insufficient to determine the role of this variant in disease. Therefore, it has been classified as a Variant of Uncertain Significance.